The following is an entry in ClinVar:

NM_152709.5(STOX1):c.178C>T (p.Leu60=)

Gene: STOX1 (storkhead box 1; plus strand). Cytogenetic location: 10q22.1.
Variant type: single nucleotide variant.
Coding change: c.178C>T on transcript NM_152709.5 (MANE Select); coding-DNA position 178, C replaced by T.
Protein change: p.Leu60=; no amino-acid change (leucine 60 retained).
Molecular consequence: synonymous variant.
Genome position (GRCh38, 1-based): chr10:68,827,801, C>T. VCF-style: chr10-68827801-C-T. GRCh37 (hg19) VCF-style: chr10-70587558-C-T.
Other names: c.178C>T, p.Leu60= (NM_001130159.3, NM_001130160.3, NM_001130161.4).
Identifiers: ClinVar variation 2640535 (VCV002640535.24), dbSNP rs1253783868, ClinGen allele CA470273330.
Genomic context (GRCh38, chr10:68,827,801, plus strand): 5'-TTCCGTCGCGCCAACGCGCGCTGCTTCTGGAACGCGCGGCTGGCGCGCGCCGCCTCGCGG[C>T]TGGCCTTCCAGGGCTGGCTGCGGCGGGGGGTGCTGCTGGTGCGCGCGCCCCCCGCCTGCC-3'
Protein context (NP_689922.3, residues 50-70): NARLARAASR[Leu60=]AFQGWLRRGV

ClinVar aggregate classification (germline): Likely benign (1 of 4 stars; one submission).

Allele frequency attached by ClinVar (database versions not stated): gnomAD exomes 0.00026; 1000 Genomes Project 30x 0.00031.

Submission:

CeGaT Center for Human Genetics Tuebingen
Classification: Likely benign. Last evaluated: 2025-07-01. Review status: criteria provided, single submitter. Criteria: CeGaT Center For Human Genetics Tuebingen Variant Classification Criteria Version 2. Collection method: clinical testing. Allele origin: germline. Affected: yes. Observed: 2 variant alleles.
Comment: STOX1: BP4, BP7